The following is an entry in ClinVar:

NM_002519.3(NPAT):c.1901_1903delinsTTT (p.Gln634_Pro635delinsLeuSer)

Gene: NPAT (nuclear protein, coactivator of histone transcription; minus strand). Cytogenetic location: 11q22.3.
Variant type: Indel.
Coding change: c.1901_1903delinsTTT on transcript NM_002519.3 (MANE Select); coding-DNA positions 1901 to 1903, AAC replaced by TTT.
Protein change: p.Gln634_Pro635delinsLeuSer.
Molecular consequence: missense variant.
Genome position (GRCh38, 1-based): chr11:108,173,081-108,173,083, GTT replaced by AAA on the plus strand (AAC replaced by TTT on the coding strand, the reverse complement: NPAT is on the minus strand). VCF-style: chr11-108173081-GTT-AAA. GRCh37 (hg19) VCF-style: chr11-108043808-GTT-AAA.
Other names: c.1901_1903delinsTTT, p.Gln634_Pro635delinsLeuSer (NM_001321307.1).
Identifiers: ClinVar variation 1899980 (VCV001899980.5), dbSNP rs2496719449, ClinGen allele CA2580083148.

ClinVar aggregate classification (germline): Uncertain significance (1 of 4 stars; one submission).

Submission:

Labcorp Genetics (formerly Invitae), Labcorp
Classification: Uncertain significance. Last evaluated: 2025-09-19. Review status: criteria provided, single submitter. Criteria: Invitae Variant Classification Sherloc (09022015). Collection method: clinical testing. Allele origin: germline.
Comment: This variant, c.1901_1903delinsTTT, is a complex sequence change that results in the deletion of 2 and insertion of 2 amino acid(s) in the NPAT protein (p.Gln634_Pro635delinsLeuSer). Information on the frequency of this variant in the gnomAD database is not available, as this variant may be reported differently in the database. This variant has not been reported in the literature in individuals affected with NPAT-related conditions. ClinVar contains an entry for this variant (Variation ID: 1899980). Experimental studies and prediction algorithms are not available or were not evaluated, and the functional significance of this variant is currently unknown. In summary, the available evidence is currently insufficient to determine the role of this variant in disease. Therefore, it has been classified as a Variant of Uncertain Significance.